The following is an entry in ClinVar:

ClinVar aggregate classification (germline): Benign (0 of 4 stars; one submission).

Conditions:
THADA-related disorder. Also called: THADA-related condition.

Allele frequency attached by ClinVar (database versions not stated): ESP Exome Variant Server 0.00989; 1000 Genomes Project 0.01098; TOPMed 0.01099; 1000 Genomes Project 30x 0.01109.
gnomAD v4.1: 2,774 of 1,610,154 alleles (0.17%); highest among the groups gnomAD compares: African/African-American, 3.3%; 46 homozygotes.

Submission:

PreventionGenetics, part of Exact Sciences
Classification: Benign for THADA-related condition. Last evaluated: 2019-02-18. Review status: no assertion criteria provided. Collection method: clinical testing. Allele origin: germline.
Comment: This variant is classified as benign based on ACMG/AMP sequence variant interpretation guidelines (Richards et al. 2015 PMID: 25741868, with internal and published modifications).

NM_022065.5(THADA):c.2085A>C (p.Glu695Asp)

Gene: THADA (THADA armadillo repeat containing; minus strand). Cytogenetic location: 2p21.
Variant type: single nucleotide variant.
Coding change: c.2085A>C on transcript NM_022065.5 (MANE Select); coding-DNA position 2085, A replaced by C.
Protein change: p.Glu695Asp; replaces glutamic acid 695 with aspartic acid.
Molecular consequence: missense variant. On other transcripts: non-coding transcript variant (2).
Genome position (GRCh38, 1-based): chr2:43,570,490, T>G on the plus strand (A>C on the coding strand, the complement: THADA is on the minus strand). VCF-style: chr2-43570490-T-G. GRCh37 (hg19) VCF-style: chr2-43797629-T-G.
Other names: c.2085A>C, p.Glu695Asp (NM_001083953.2, NM_001271643.2, NM_001271644.2 and 2 more transcripts); c.1965A>C, p.Glu655Asp (NM_001345924.2); c.1215A>C, p.Glu405Asp (NM_198554.1); short protein forms E405D, E655D, E695D.
Identifiers: ClinVar variation 3038981 (VCV003038981.2), dbSNP rs75542920, ClinGen allele CA1633119.